The following is an entry in ClinVar:

ClinVar aggregate classification (germline): Conflicting classifications of pathogenicity. Review status: criteria provided, conflicting classifications (1 of 4 stars). 3 submissions from 3 submitters: Uncertain significance (2); Likely benign (1). Last evaluated 2024-08-30.

Conditions:
Inborn genetic diseases. Identifiers: MedGen C0950123, MeSH D030342.
Cardiomyopathy, familial hypertrophic, 28. Identifiers: MedGen C5543616, MONDO:0030317, OMIM 619402.

Allele frequency attached by ClinVar (database versions not stated): TOPMed 0.00004; gnomAD 0.00006; gnomAD exomes 0.00006; ExAC 0.00013.
gnomAD v4.1: 87 of 1,602,058 alleles (0.0054%); highest among the groups gnomAD compares: Non-Finnish European, 0.0068%; no homozygotes.

Submissions (3):

Blueprint Genetics
Classification: Likely benign. Last evaluated: 2024-08-30. Review status: criteria provided, single submitter. Criteria: ACMG Guidelines, 2015. Collection method: clinical testing. Allele origin: germline.

Ambry Genetics
Classification: Uncertain significance for Inborn genetic diseases. Last evaluated: 2024-01-30. Review status: criteria provided, single submitter. Criteria: Ambry Variant Classification Scheme 2023. Collection method: clinical testing. Allele origin: germline.

Clinical Genomics Laboratory, Stanford Medicine
Classification: Uncertain significance for Cardiomyopathy, familial hypertrophic, 28. Last evaluated: 2021-04-28. Review status: criteria provided, single submitter. Criteria: ACMG Guidelines, 2015. Collection method: clinical testing. Allele origin: germline. Affected: yes. Observed: 1 heterozygote.
Comment: The p.Gly356Ser variant in the FHOD3 gene has not been previously reported in association with disease. This variant has been identified in 21/126,112 European (non-Finnish) chromosomes (22/274,870 chromosomes overall) by the Genome Aggregation Database. Although this variant has been seen in the general population, it has not been seen at a high enough frequency to rule out pathogenicity. The glycine at position 356 is evolutionarily conserved; however, serine is observed in one mammal (squirrel). The p.Gly356Ser variant occurs in the GTPase-binding/formin homology 3 (GBD/FH3) domain. Missense variants in this domain have been identified in two unrelated individuals with atrial fibrillation; however, a second potentially causative variant in an arrhythmia gene was also identified in both individuals (Doñate Puertas et al., 2018). Computational tools do not predict that the p.Gly356Ser variant is deleterious; however, the accuracy of in silico algorithms is limited. These data were assessed using the ACMG/AMP variant interpretation guidelines. In summary, the significance of the p.Gly356Ser variant is uncertain. Additional information is needed to resolve the significance of this variant. [ACMG evidence codes used: None]

NM_001281740.3(FHOD3):c.1066G>A (p.Gly356Ser)

Gene: FHOD3 (formin homology 2 domain containing 3; plus strand). Cytogenetic location: 18q12.2.
Variant type: single nucleotide variant.
Coding change: c.1066G>A on transcript NM_001281740.3 (MANE Select); coding-DNA position 1066, G replaced by A.
Protein change: p.Gly356Ser; replaces glycine 356 with serine.
Molecular consequence: missense variant.
Genome position (GRCh38, 1-based): chr18:36,625,619, G>A. VCF-style: chr18-36625619-G-A. GRCh37 (hg19) VCF-style: chr18-34205582-G-A.
Other names: p.Gly356Ser; c.1066G>A (NM_025135.2); c.1066G>A, p.Gly356Ser (NM_001281739.3, NM_025135.5); short protein forms G356S.
Identifiers: ClinVar variation 3062011 (VCV003062011.3), dbSNP rs751831068, ClinGen allele CA8941531.
Genomic context (GRCh38, chr18:36,625,619, plus strand): 5'-AGTGGGTGCCGGGACCGGAGGAGGGCCAGCGTGTGTTCCAGTGGCGGAGGCGAGCACCGG[G>A]GCCTGGACCGCAGAAGGAGCCGCAGGCACTCGGTGCAGAGCATCAAGAGCACCCTGTCGG-3'
Protein context (NP_001268669.1, residues 346-366): VCSSGGGEHR[Gly356Ser]LDRRRSRRHS